The following is an entry in ClinVar:

ClinVar aggregate classification (germline): Conflicting classifications of pathogenicity. Review status: criteria provided, conflicting classifications (1 of 4 stars). 6 submissions from 6 submitters: Uncertain significance (1); Benign (1); Likely benign (3). 1 of the submissions does not count toward it. Last evaluated 2025-06-26.

Conditions:
ACADS-related disorder. Also called: ACADS-related condition.
Deficiency of butyryl-CoA dehydrogenase (ACADSD). Also called: SCAD Deficiency; SCADH DEFICIENCY; Short-Chain Acyl-CoA Dehydrogenase Deficiency; SCAD DEFICIENCY, MILD; ACYL-CoA DEHYDROGENASE, SHORT-CHAIN, DEFICIENCY OF; ACADS DEFICIENCY. Identifiers: Orphanet 26792, MedGen C0342783, MONDO:0008722, OMIM 201470. Disease mechanism: May be benign.

Allele frequency attached by ClinVar (database versions not stated): gnomAD 0.00004 and 0.00007; TOPMed 0.00009; 1000 Genomes Project 0.00100; 1000 Genomes Project 30x 0.00109.
gnomAD v4.1: 82 of 1,614,166 alleles (0.0051%); highest among the groups gnomAD compares: East Asian, 0.17%; no homozygotes.

Submissions (6):

Labcorp Genetics (formerly Invitae), Labcorp
Classification: Benign for Deficiency of butyryl-CoA dehydrogenase. Last evaluated: 2025-06-26. Review status: criteria provided, single submitter. Criteria: Invitae Variant Classification Sherloc (09022015). Collection method: clinical testing. Allele origin: germline.

Blueprint Genetics
Classification: Likely benign. Last evaluated: 2024-09-10. Review status: criteria provided, single submitter. Criteria: ACMG Guidelines, 2015. Collection method: clinical testing. Allele origin: germline.

CeGaT Center for Human Genetics Tuebingen
Classification: Likely benign. Last evaluated: 2024-06-01. Review status: criteria provided, single submitter. Criteria: CeGaT Center For Human Genetics Tuebingen Variant Classification Criteria Version 2. Collection method: clinical testing. Allele origin: germline. Affected: yes. Observed: 1 variant allele.
Comment: ACADS: BP4, BP7

Genome-Nilou Lab
Classification: Likely benign for Deficiency of butyryl-CoA dehydrogenase. Last evaluated: 2021-11-07. Review status: criteria provided, single submitter. Criteria: ACMG Guidelines, 2015. Collection method: clinical testing. Allele origin: germline. Affected: no.

Eurofins Ntd Llc (ga)
Classification: Uncertain significance. Last evaluated: 2015-10-02. Review status: criteria provided, single submitter. Criteria: EGL Classification Definitions 2015. Collection method: clinical testing. Allele origin: germline. Observed: 1 variant allele, 1 heterozygote.

PreventionGenetics, part of Exact Sciences
Classification: Likely benign for ACADS-related condition. Last evaluated: 2022-11-17. Review status: no assertion criteria provided. Collection method: clinical testing. Allele origin: germline. Not counted in ClinVar's aggregate classification.
Comment: This variant is classified as likely benign based on ACMG/AMP sequence variant interpretation guidelines (Richards et al. 2015 PMID: 25741868, with internal and published modifications).

NM_000017.4(ACADS):c.147C>G (p.Ala49=)

Gene: ACADS (acyl-CoA dehydrogenase short chain; plus strand). Cytogenetic location: 12q24.31.
Variant type: single nucleotide variant.
Coding change: c.147C>G on transcript NM_000017.4 (MANE Select); coding-DNA position 147, C replaced by G.
Protein change: p.Ala49=; no amino-acid change (alanine 49 retained).
Molecular consequence: synonymous variant.
Genome position (GRCh38, 1-based): chr12:120,727,126, C>G. VCF-style: chr12-120727126-C-G. GRCh37 (hg19) VCF-style: chr12-121164929-C-G.
Other names: c.147C>G (NM_000017.3); c.147C>G, p.Ala49= (NM_001302554.2).
Identifiers: ClinVar variation 283771 (VCV000283771.35), dbSNP rs202193021, ClinGen allele CA6830770.